The following is an entry in ClinVar:

ClinVar aggregate classification (germline): Uncertain significance (1 of 4 stars; one submission).

gnomAD v4.1: 42 of 1,614,184 alleles (0.0026%); highest among the groups gnomAD compares: South Asian, 0.032%; 1 homozygote.

Submission:

Labcorp Genetics (formerly Invitae), Labcorp
Classification: Uncertain significance. Last evaluated: 2025-06-24. Review status: criteria provided, single submitter. Criteria: Invitae Variant Classification Sherloc (09022015). Collection method: clinical testing. Allele origin: germline.
Comment: This sequence change falls in intron 9 of the SLC41A1 gene. It does not directly change the encoded amino acid sequence of the SLC41A1 protein. It affects a nucleotide within the consensus splice site. This variant is present in population databases (rs568778731, gnomAD 0.06%). This variant has not been reported in the literature in individuals affected with SLC41A1-related conditions. Variants that disrupt the consensus splice site are a relatively common cause of aberrant splicing (PMID: 17576681, 9536098). Algorithms developed to predict the effect of sequence changes on RNA splicing suggest that this variant is not likely to affect RNA splicing. In summary, the available evidence is currently insufficient to determine the role of this variant in disease. Therefore, it has been classified as a Variant of Uncertain Significance.

Literature cited by the submitters: PubMed 17576681; PubMed 9536098.

NM_173854.6(SLC41A1):c.1207+6G>A

Gene: SLC41A1 (solute carrier family 41 member 1; minus strand). Cytogenetic location: 1q32.1.
Variant type: single nucleotide variant.
Coding change: c.1207+6G>A on transcript NM_173854.6 (MANE Select); 6 bases into the intron after coding-DNA position 1207, G replaced by A.
Molecular consequence: intron variant.
Genome position (GRCh38, 1-based): chr1:205,795,338, C>T on the plus strand (G>A on the coding strand, the complement: SLC41A1 is on the minus strand). VCF-style: chr1-205795338-C-T. GRCh37 (hg19) VCF-style: chr1-205764466-C-T.
Identifiers: ClinVar variation 4804754 (VCV004804754.1).
Genomic context (GRCh38, chr1:205,795,338, plus strand): 5'-TAAGTGAAGCTCACTGACAGTAGGCCCACTCCCCCCAGGGCTGGGAGGCTGGGAATCTGC[C>T]GTTACCAGGGCTGAAGAAGGTGGTACAAGGACTGGGACAGCGGCGAGGAGCTTGCTCAGA-3'